The following is an entry in ClinVar:

ClinVar aggregate classification (germline): Uncertain significance (1 of 4 stars; one submission).

Conditions:
Familial intrahepatic cholestasis. Identifiers: Orphanet 284385, MedGen CN296401, MONDO:0017290.

Submission:

Genomenon, Inc
Classification: Uncertain significance for Familial intrahepatic cholestasis. Last evaluated: 2026-04-14. Review status: criteria provided, single submitter. Criteria: Genomenon Sequence Variant Interpretation Standards - Updated. Collection method: curation. Allele origin: germline. Affected: yes.
Comment: ABCB11 p.Met559_Ser560delinsIleAsn (c.1677_1679delinsAAA) is an in-frame deletion-insertion variant that deletes Methionine at position 559 and Serine at position 560 and replaces them with Isoleucine and Asparagine. This variant has been observed in at least one proband with an ABCB11-related disorder (PMID:37471416). It has been observed in trans with a pathogenic or likely pathogenic variant (PMID:37471416). It is absent or not present at a significant frequency in gnomAD. In conclusion, we classify ABCB11 p.Met559_Ser560delinsIleAsn (c.1677_1679delinsAAA) as a variant of uncertain significance.

Literature cited by the submitters: PubMed 37471416.

NM_003742.4(ABCB11):c.1677_1679delinsAAA (p.Met559_Ser560delinsIleAsn)

Gene: ABCB11 (ATP binding cassette subfamily B member 11; minus strand). Cytogenetic location: 2q31.1.
Variant type: Indel.
Coding change: c.1677_1679delinsAAA on transcript NM_003742.4 (MANE Select); coding-DNA positions 1677 to 1679, GAG replaced by AAA.
Protein change: p.Met559_Ser560delinsIleAsn.
Molecular consequence: missense variant.
Genome position (GRCh38, 1-based): chr2:168,970,175-168,970,177, CTC replaced by TTT on the plus strand (GAG replaced by AAA on the coding strand, the reverse complement: ABCB11 is on the minus strand). VCF-style: chr2-168970175-CTC-TTT. GRCh37 (hg19) VCF-style: chr2-169826685-CTC-TTT.
Identifiers: ClinVar variation 4846103 (VCV004846103.1).
Genomic context (GRCh38, chr2:168,970,175, plus strand): 5'-AGAATCTTGGGATTTCGGATGAGGGCTCTGGCGATAGCTACCCTTTGTTTCTGGCCACCA[CTC>TTT]ATCTGGCCTCCTCCTTCTCCAACAAGGGTGTCAAATTGCTAGATGGAAGGTGACACCAGT-3'